The following is an entry in ClinVar:

NM_000124.4(ERCC6):c.544-1G>A

Gene: ERCC6 (ERCC excision repair 6, chromatin remodeling factor; minus strand). Cytogenetic location: 10q11.23.
Variant type: single nucleotide variant.
Coding change: c.544-1G>A on transcript NM_000124.4 (MANE Select); the canonical splice acceptor site of the intron before coding-DNA position 544, G replaced by A.
Molecular consequence: splice acceptor variant.
Genome position (GRCh38, 1-based): chr10:49,528,526, C>T on the plus strand (G>A on the coding strand, the complement: ERCC6 is on the minus strand). VCF-style: chr10-49528526-C-T. GRCh37 (hg19) VCF-style: chr10-50736572-C-T.
Other names: c.544-1G>A (NM_001346440.2, NM_001277059.2, NM_001277058.2).
Identifiers: ClinVar variation 806469 (VCV000806469.45), dbSNP rs901360414, ClinGen allele CA206581780.
Genomic context (GRCh38, chr10:49,528,526, plus strand): 5'-TCCTCCAAGGATGGCCTGGAGATGCTTTTGTTTTGCAGTGATCTTTTTTAGCTGTTGTTC[C>T]TTGAATGGTAAATATAGAAGACAGAAAACAGCAATGAAGTGATTTATTGTTAAATACAAA-3'

ClinVar aggregate classification (germline): Pathogenic/Likely pathogenic. Review status: criteria provided, multiple submitters, no conflicts (2 of 4 stars). 2 submissions from 2 submitters: Pathogenic (1); Likely pathogenic (1). Last evaluated 2023-09-19.

Allele frequency attached by ClinVar (database versions not stated): gnomAD exomes below 0.00001; gnomAD 0.00001; TOPMed 0.00001.
gnomAD v4.1: 4 of 1,613,824 alleles (0.00025%); highest among the groups gnomAD compares: Non-Finnish European, 0.00034%; no homozygotes.

Submissions (2):

Labcorp Genetics (formerly Invitae), Labcorp
Classification: Pathogenic. Last evaluated: 2023-09-19. Review status: criteria provided, single submitter. Criteria: Invitae Variant Classification Sherloc (09022015). Collection method: clinical testing. Allele origin: germline.
Comment: For these reasons, this variant has been classified as Pathogenic. Algorithms developed to predict the effect of sequence changes on RNA splicing suggest that this variant may disrupt the consensus splice site. ClinVar contains an entry for this variant (Variation ID: 806469). Disruption of this splice site has been observed in individuals with Cockayne syndrome (PMID: 19894250). This variant is not present in population databases (gnomAD no frequency). This sequence change affects an acceptor splice site in intron 3 of the ERCC6 gene. It is expected to disrupt RNA splicing. Variants that disrupt the donor or acceptor splice site typically lead to a loss of protein function (PMID: 16199547), and loss-of-function variants in ERCC6 are known to be pathogenic (PMID: 18628313, 29572252).

CeGaT Center for Human Genetics Tuebingen
Classification: Likely pathogenic. Last evaluated: 2019-11-01. Review status: criteria provided, single submitter. Criteria: CeGaT Center For Human Genetics Tuebingen Variant Classification Criteria Version 2. Collection method: clinical testing. Allele origin: germline. Affected: yes. Observed: 4 variant alleles.

Literature cited by the submitters: PubMed 19894250 (cited by Labcorp Genetics (formerly Invitae), Labcorp); PubMed 16199547 (cited by Labcorp Genetics (formerly Invitae), Labcorp); PubMed 18628313 (cited by Labcorp Genetics (formerly Invitae), Labcorp); PubMed 29572252 (cited by Labcorp Genetics (formerly Invitae), Labcorp).